The following is an entry in ClinVar:

ClinVar aggregate classification (germline): Uncertain significance (1 of 4 stars; one submission).

Conditions:
KBG syndrome (KBGS). Also called: ANKRD11-Related KBG Syndrome. Identifiers: Orphanet 2332, MedGen C0220687, MONDO:0007846, OMIM 148050.

Allele frequency attached by ClinVar (database versions not stated): gnomAD exomes 0.00001; TOPMed 0.00002.
gnomAD v4.1: 5 of 1,582,138 alleles (0.00032%); highest among the groups gnomAD compares: Admixed American, 0.0087%; no homozygotes.

Submission:

Labcorp Genetics (formerly Invitae), Labcorp
Classification: Uncertain significance for KBG syndrome. Last evaluated: 2024-04-15. Review status: criteria provided, single submitter. Criteria: Invitae Variant Classification Sherloc (09022015). Collection method: clinical testing. Allele origin: germline.
Comment: This variant occurs in a non-coding region of the ANKRD11 gene. It does not change the encoded amino acid sequence of the ANKRD11 protein. This variant is present in population databases (rs755295105, gnomAD 0.01%). This variant has not been reported in the literature in individuals affected with ANKRD11-related conditions. In summary, the available evidence is currently insufficient to determine the role of this variant in disease. Therefore, it has been classified as a Variant of Uncertain Significance.

NM_013275.6(ANKRD11):c.-45T>A

Genes: ANKRD11 (ankyrin repeat domain 11; minus strand), LOC128462377 (ankyrin repeat domain 11 upstream open reading frame; minus strand). Cytogenetic location: 16q24.3.
Variant type: single nucleotide variant.
Coding change: c.-45T>A on transcript NM_013275.6 (MANE Select); 45 bases upstream of the start codon, T replaced by A.
Molecular consequence: 5 prime UTR variant. On other transcripts: missense variant (2), non-coding transcript variant (1).
Genome position (GRCh38, 1-based): chr16:89,317,064, A>T on the plus strand (T>A on the coding strand, the complement: ANKRD11 is on the minus strand). VCF-style: chr16-89317064-A-T. GRCh37 (hg19) VCF-style: chr16-89383472-A-T.
Other names: c.21T>A, p.Asp7Glu (NM_001416403.1); c.24T>A, p.Asp8Glu (NM_001417603.1); c.-45T>A (NM_001256182.2, NM_001256183.2); short protein forms D8E, D7E.
Identifiers: ClinVar variation 2713408 (VCV002713408.3), dbSNP rs755295105, ClinGen allele CA8243306.
Genomic context (GRCh38, chr16:89,317,064, plus strand): 5'-ACCCACCCTTGGGCATCGTCCTGCTCCTCACCCGATCTTCATTTACACGGCCGGCGCTTC[A>T]TCATCAACCGTCTGCTTCAAAAGAGAAGACACACAATTCACTGAATTCAGAGGCAGCTCA-3'